The following is an entry in ClinVar:

NM_005027.4(PIK3R2):c.149G>C (p.Cys50Ser)

Gene: PIK3R2 (phosphoinositide-3-kinase regulatory subunit 2; plus strand). Cytogenetic location: 19p13.11.
Variant type: single nucleotide variant.
Coding change: c.149G>C on transcript NM_005027.4 (MANE Select); coding-DNA position 149, G replaced by C.
Protein change: p.Cys50Ser; replaces cysteine 50 with serine.
Molecular consequence: missense variant. On other transcripts: non-coding transcript variant (2).
Genome position (GRCh38, 1-based): chr19:18,156,028, G>C. VCF-style: chr19-18156028-G-C. GRCh37 (hg19) VCF-style: chr19-18266838-G-C.
Other names: short protein forms C50S.
Identifiers: ClinVar variation 4992776 (VCV004992776.1).
Genomic context (GRCh38, chr19:18,156,028, plus strand): 5'-TGCTGGTAGTGAGCCGGGCGGCCTTGCAGGCGCTGGGCGTGGCCGAGGGTGGCGAGCGCT[G>C]CCCACAGAGCGTGGGCTGGATGCCCGGCCTCAACGAGCGCACACGGCAGCGAGGTGACTT-3'
Protein context (NP_005018.2, residues 40-60): ALGVAEGGER[Cys50Ser]PQSVGWMPGL

ClinVar aggregate classification (germline): Uncertain significance (1 of 4 stars; one submission).

Conditions:
PIK3R2-related disorder. Also called: PIK3R2-related condition.

Submission:

PreventionGenetics, part of Exact Sciences
Classification: Uncertain significance for PIK3R2-related condition. Last evaluated: 2025-12-12. Review status: criteria provided, single submitter. Criteria: ACMG Guidelines, 2015. Collection method: clinical testing. Allele origin: germline.
Comment: The PIK3R2 c.149G>C variant is predicted to result in the amino acid substitution p.Cys50Ser. To our knowledge, this variant has not been reported in the literature or in a large population database (gnomAD), indicating this variant is rare. At this time, the clinical significance of this variant is uncertain due to the absence of conclusive functional and genetic evidence.